The following is an entry in ClinVar:

NM_001386140.1(MTTP):c.1127T>C (p.Leu376Ser)

Gene: MTTP (microsomal triglyceride transfer protein; plus strand). Cytogenetic location: 4q23.
Variant type: single nucleotide variant.
Coding change: c.1127T>C on transcript NM_001386140.1 (MANE Select); coding-DNA position 1127, T replaced by C.
Protein change: p.Leu376Ser; replaces leucine 376 with serine.
Molecular consequence: missense variant.
Genome position (GRCh38, 1-based): chr4:99,600,624, T>C. VCF-style: chr4-99600624-T-C. GRCh37 (hg19) VCF-style: chr4-100521781-T-C.
Other names: c.1127T>C, p.Leu376Ser (NM_000253.4); c.878T>C, p.Leu293Ser (NM_001300785.2); short protein forms L293S, L376S.
Identifiers: ClinVar variation 2179935 (VCV002179935.4), dbSNP rs1321848101, ClinGen allele CA357508083.

ClinVar aggregate classification (germline): Uncertain significance (1 of 4 stars; one submission).

Allele frequency attached by ClinVar (database versions not stated): gnomAD exomes below 0.00001; TOPMed 0.00001.
gnomAD v4.1: 1 of 1,613,850 alleles (0.000062%); highest among the groups gnomAD compares: Non-Finnish European, 0.000085%; no homozygotes.

Submission:

Labcorp Genetics (formerly Invitae), Labcorp
Classification: Uncertain significance. Last evaluated: 2022-06-02. Review status: criteria provided, single submitter. Criteria: Invitae Variant Classification Sherloc (09022015). Collection method: clinical testing. Allele origin: germline.
Comment: This sequence change replaces leucine, which is neutral and non-polar, with serine, which is neutral and polar, at codon 376 of the MTTP protein (p.Leu376Ser). This variant is not present in population databases (gnomAD no frequency). This variant has not been reported in the literature in individuals affected with MTTP-related conditions. Algorithms developed to predict the effect of missense changes on protein structure and function are either unavailable or do not agree on the potential impact of this missense change (SIFT: "Deleterious"; PolyPhen-2: "Probably Damaging"; Align-GVGD: "Class C15"). In summary, the available evidence is currently insufficient to determine the role of this variant in disease. Therefore, it has been classified as a Variant of Uncertain Significance.